The following is an entry in ClinVar:

NM_022916.6(VPS33A):c.521A>T (p.His174Leu)

Gene: VPS33A (VPS33A core subunit of CORVET and HOPS complexes; minus strand). Cytogenetic location: 12q24.31.
Variant type: single nucleotide variant.
Coding change: c.521A>T on transcript NM_022916.6 (MANE Select); coding-DNA position 521, A replaced by T.
Protein change: p.His174Leu; replaces histidine 174 with leucine.
Molecular consequence: missense variant.
Genome position (GRCh38, 1-based): chr12:122,251,062, T>A on the plus strand (A>T on the coding strand, the complement: VPS33A is on the minus strand). VCF-style: chr12-122251062-T-A. GRCh37 (hg19) VCF-style: chr12-122735609-T-A.
Other names: c.488A>T, p.His163Leu (NM_001351018.2); c.473A>T, p.His158Leu (NM_001351019.2); c.521A>T, p.His174Leu (NM_001351020.2); short protein forms H163L, H158L, H174L.
Identifiers: ClinVar variation 1364661 (VCV001364661.6), dbSNP rs1325901113, ClinGen allele CA387018603.

ClinVar aggregate classification (germline): Uncertain significance (1 of 4 stars; one submission).

Allele frequency attached by ClinVar (database versions not stated): gnomAD 0.00001; TOPMed below 0.00001; gnomAD exomes below 0.00001.

Submission:

Labcorp Genetics (formerly Invitae), Labcorp
Classification: Uncertain significance. Last evaluated: 2025-01-27. Review status: criteria provided, single submitter. Criteria: Invitae Variant Classification Sherloc (09022015). Collection method: clinical testing. Allele origin: germline.
Comment: This sequence change replaces histidine, which is basic and polar, with leucine, which is neutral and non-polar, at codon 174 of the VPS33A protein (p.His174Leu). This variant is present in population databases (no rsID available, gnomAD 0.0009%). This variant has not been reported in the literature in individuals affected with VPS33A-related conditions. ClinVar contains an entry for this variant (Variation ID: 1364661). Invitae Evidence Modeling of protein sequence and biophysical properties (such as structural, functional, and spatial information, amino acid conservation, physicochemical variation, residue mobility, and thermodynamic stability) indicates that this missense variant is not expected to disrupt VPS33A protein function with a negative predictive value of 80%. In summary, the available evidence is currently insufficient to determine the role of this variant in disease. Therefore, it has been classified as a Variant of Uncertain Significance.